The following is an entry in ClinVar:

NM_013975.4(LIG3):c.1990-17_1990-14del

Gene: LIG3 (DNA ligase 3; plus strand). Cytogenetic location: 17q12.
Variant type: Deletion.
Coding change: c.1990-17_1990-14del on transcript NM_013975.4 (MANE Select); 17 bases into the intron before coding-DNA position 1990 through 14 bases into the intron before coding-DNA position 1990, 4 bases deleted (CTTT; older notation c.1990-17_1990-14delCTTT).
Molecular consequence: intron variant.
Genome position (GRCh38, 1-based): chr17:34,998,587-34,998,590, CTTT deleted; deleting any 4 consecutive bases within chr17:34,998,586-34,998,590 gives the same sequence; the c. name uses the placement nearest the transcript's 3' end. VCF-style (leftmost placement, unchanged base first): chr17-34998585-CTCTT-C. GRCh37 (hg19) VCF-style: chr17-33325604-CTCTT-C.
Other names: c.1990-17_1990-14del (NM_002311.5).
Identifiers: ClinVar variation 933180 (VCV000933180.1), dbSNP rs147265750, ClinGen allele CA8498529.

ClinVar aggregate classification (germline): Benign (1 of 4 stars; one submission).

Submission:

Women's Health and Genetics/Laboratory Corporation of America, LabCorp
Classification: Benign. Last evaluated: 2020-06-22. Review status: criteria provided, single submitter. Criteria: LabCorp Variant Classification Summary - May 2015. Collection method: clinical testing. Allele origin: germline.
Comment: Variant summary: LIG3 c.1990-17_1990-14delCTTT alters a nucleotide located close to a canonical splice site and therefore could affect mRNA splicing, leading to a significantly altered protein sequence. 4/4 computational tools predict no significant impact on normal splicing. However, these predictions have yet to be confirmed by functional studies. The variant allele was found at a frequency of 0.011 in 250534 control chromosomes in the gnomAD database, including 114 homozygotes. The observed variant frequency is approximately 1111 fold of the estimated maximal expected allele frequency for a pathogenic variant in LIG3 causing Arrhythmia phenotype (1e-05), strongly suggesting that the variant is benign. To our knowledge, no occurrence of c.1990-17_1990-14delCTTT in individuals affected with Arrhythmia and no experimental evidence demonstrating its impact on protein function have been reported. No clinical diagnostic laboratories have submitted clinical-significance assessments for this variant to ClinVar after 2014. Based on the evidence outlined above, the variant was classified as benign.